The following is an entry in ClinVar:

ClinVar aggregate classification (germline): Likely benign. Review status: criteria provided, multiple submitters, no conflicts (2 of 4 stars). 2 submissions from 2 submitters: Likely benign (2). Last evaluated 2024-10-14.

gnomAD v4.1: 661 of 1,614,146 alleles (0.041%); highest among the groups gnomAD compares: Non-Finnish European, 0.054%; 2 homozygotes.

Submissions (2):

Blueprint Genetics
Classification: Likely benign. Last evaluated: 2024-10-14. Review status: criteria provided, single submitter. Criteria: ACMG Guidelines, 2015. Collection method: clinical testing. Allele origin: germline.

CeGaT Center for Human Genetics Tuebingen
Classification: Likely benign. Last evaluated: 2024-09-01. Review status: criteria provided, single submitter. Criteria: CeGaT Center For Human Genetics Tuebingen Variant Classification Criteria Version 2. Collection method: clinical testing. Allele origin: germline. Affected: yes. Observed: 1 variant allele.
Comment: RNF213: BP4, BP7

NM_001256071.3(RNF213):c.11886C>T (p.Asn3962=)

Genes: RNF213 (ring finger protein 213; plus strand), RNF213-AS1 (RNF213 antisense RNA 1; minus strand). Cytogenetic location: 17q25.3.
Variant type: single nucleotide variant.
Coding change: c.11886C>T on transcript NM_001256071.3 (MANE Select); coding-DNA position 11886, C replaced by T.
Protein change: p.Asn3962=; no amino-acid change (asparagine 3962 retained).
Molecular consequence: synonymous variant.
Genome position (GRCh38, 1-based): chr17:80,367,762, C>T. VCF-style: chr17-80367762-C-T. GRCh37 (hg19) VCF-style: chr17-78341562-C-T.
Other names: c.12033C>T, p.Asn4011= (NM_001410195.1, NM_020914.5).
Identifiers: ClinVar variation 3388556 (VCV003388556.15).
Genomic context (GRCh38, chr17:80,367,762, plus strand): 5'-TCAGCCCTCCCCCCTGCTAATGACTCCTGTCCCTGCCTTTCTTCAGTGTCTTCGAGAGAA[C>T]TCTGACGTGAAGACGCACGGGCCTTTTGAGGCCGTGATGCGCACTCTCTGTGAATGCAAG-3'
Protein context (NP_001243000.2, residues 3952-3972): VFLLDKCLRE[Asn3962=]SDVKTHGPFE